The following is an entry in ClinVar:

NM_000421.5(KRT10):c.1443_1459delinsCT (p.Ser482_His487delinsTyr)

Gene: KRT10 (keratin 10; minus strand). Cytogenetic location: 17q21.2.
Variant type: Indel.
Coding change: c.1443_1459delinsCT on transcript NM_000421.5 (MANE Select); coding-DNA positions 1443 to 1459, AAGCTCCGGCGGCGGCC replaced by CT.
Protein change: p.Ser482_His487delinsTyr.
Molecular consequence: inframe indel.
Genome position (GRCh38, 1-based): chr17:40,819,076-40,819,092, GGCCGCCGCCGGAGCTT replaced by AG on the plus strand (AAGCTCCGGCGGCGGCC replaced by CT on the coding strand, the reverse complement: KRT10 is on the minus strand). VCF-style: chr17-40819076-GGCCGCCGCCGGAGCTT-AG. GRCh37 (hg19) VCF-style: chr17-38975328-GGCCGCCGCCGGAGCTT-AG.
Other names: c.1443_1459delinsCT, p.Ser482_His487delinsTyr (NM_001379366.1).
Identifiers: ClinVar variation 510707 (VCV000510707.1), dbSNP rs1555548541, ClinGen allele CA658798829.

ClinVar aggregate classification (germline): Likely benign (1 of 4 stars; one submission).

Submission:

GeneDx
Classification: Likely benign. Last evaluated: 2017-07-03. Review status: criteria provided, single submitter. Criteria: GeneDx Variant Classification (06012015). Collection method: clinical testing. Allele origin: germline. Affected: yes.
Comment: This variant is considered likely benign or benign based on one or more of the following criteria: it is a conservative change, it occurs at a poorly conserved position in the protein, it is predicted to be benign by multiple in silico algorithms, and/or has population frequency not consistent with disease.